The following is an entry in ClinVar:

NM_001035.3(RYR2):c.6793-195A>G

Gene: RYR2 (ryanodine receptor 2; plus strand). Cytogenetic location: 1q43.
Variant type: single nucleotide variant.
Coding change: c.6793-195A>G on transcript NM_001035.3 (MANE Select); 195 bases into the intron before coding-DNA position 6793, A replaced by G.
Molecular consequence: intron variant.
Genome position (GRCh38, 1-based): chr1:237,638,162, A>G. VCF-style: chr1-237638162-A-G. GRCh37 (hg19) VCF-style: chr1-237801462-A-G.
Identifiers: ClinVar variation 675520 (VCV000675520.1), dbSNP rs74147182, ClinGen allele CA39787170.

ClinVar aggregate classification (germline): Likely benign (1 of 4 stars; one submission).

Allele frequency attached by ClinVar (database versions not stated): 1000 Genomes Project 0.01218; gnomAD 0.01227 and 0.01331; 1000 Genomes Project 30x 0.01280; TOPMed 0.01369.
gnomAD v4.1: 1,844 of 152,208 alleles (1.2%); highest among the groups gnomAD compares: African/African-American, 4.1%; 47 homozygotes.

Submission:

GeneDx
Classification: Likely benign. Last evaluated: 2018-06-19. Review status: criteria provided, single submitter. Criteria: GeneDx Variant Classification (06012015). Collection method: clinical testing. Allele origin: germline. Affected: yes.
Comment: This variant is considered likely benign or benign based on one or more of the following criteria: it is a conservative change, it occurs at a poorly conserved position in the protein, it is predicted to be benign by multiple in silico algorithms, and/or has population frequency not consistent with disease.